The following is an entry in ClinVar:

NM_000553.6(WRN):c.2029G>C (p.Gly677Arg)

Gene: WRN (WRN RecQ like helicase; plus strand). Cytogenetic location: 8p12.
Variant type: single nucleotide variant.
Coding change: c.2029G>C on transcript NM_000553.6 (MANE Select); coding-DNA position 2029, G replaced by C.
Protein change: p.Gly677Arg; replaces glycine 677 with arginine.
Molecular consequence: missense variant.
Genome position (GRCh38, 1-based): chr8:31,100,896, G>C. VCF-style: chr8-31100896-G-C. GRCh37 (hg19) VCF-style: chr8-30958412-G-C.
Other names: short protein forms G677R.
Identifiers: ClinVar variation 2065206 (VCV002065206.4), dbSNP rs747026081, ClinGen allele CA370908534.

ClinVar aggregate classification (germline): Uncertain significance (1 of 4 stars; one submission).

Conditions:
Werner syndrome (WRN). Identifiers: Orphanet 902, MedGen C0043119, MONDO:0010196, OMIM 277700.

Submission:

Labcorp Genetics (formerly Invitae), Labcorp
Classification: Uncertain significance for Werner syndrome. Last evaluated: 2023-08-30. Review status: criteria provided, single submitter. Criteria: Invitae Variant Classification Sherloc (09022015). Collection method: clinical testing. Allele origin: germline.
Comment: ClinVar contains an entry for this variant (Variation ID: 2065206). This variant has not been reported in the literature in individuals affected with WRN-related conditions. This variant is not present in population databases (gnomAD no frequency). This sequence change replaces glycine, which is neutral and non-polar, with arginine, which is basic and polar, at codon 677 of the WRN protein (p.Gly677Arg). An algorithm developed to predict the effect of missense changes on protein structure and function (PolyPhen-2) suggests that this variant is likely to be disruptive. In summary, the available evidence is currently insufficient to determine the role of this variant in disease. Therefore, it has been classified as a Variant of Uncertain Significance.